The following is an entry in ClinVar:

NM_000260.4(MYO7A):c.2432G>A (p.Arg811His)

Gene: MYO7A (myosin VIIA; plus strand). Cytogenetic location: 11q13.5.
Variant type: single nucleotide variant.
Coding change: c.2432G>A on transcript NM_000260.4 (MANE Select); coding-DNA position 2432, G replaced by A.
Protein change: p.Arg811His; replaces arginine 811 with histidine.
Molecular consequence: missense variant.
Genome position (GRCh38, 1-based): chr11:77,179,799, G>A. VCF-style: chr11-77179799-G-A. GRCh37 (hg19) VCF-style: chr11-76890845-G-A.
Other names: c.2432G>A, p.Arg811His (NM_001127180.2); c.2399G>A, p.Arg800His (NM_001369365.1); short protein forms R800H, R811H.
Identifiers: ClinVar variation 1314576 (VCV001314576.6), dbSNP rs1050941800, ClinGen allele CA224841022.

ClinVar aggregate classification (germline): Uncertain significance. Review status: criteria provided, multiple submitters, no conflicts (2 of 4 stars). 3 submissions from 3 submitters: Uncertain significance (3). Last evaluated 2025-08-20.

Conditions:
MYO7A-related disorder. Also called: MYO7A-related disorders.

gnomAD v4.1: 78 of 1,548,598 alleles (0.005%); highest among the groups gnomAD compares: Non-Finnish European, 0.0058%; no homozygotes.

Submissions (3):

PreventionGenetics, part of Exact Sciences
Classification: Uncertain significance for MYO7A-related condition. Last evaluated: 2025-08-20. Review status: criteria provided, single submitter. Criteria: ACMG Guidelines, 2015. Collection method: clinical testing. Allele origin: germline.
Comment: The MYO7A c.2432G>A variant is predicted to result in the amino acid substitution p.Arg811His. To our knowledge, this variant has not been reported in the literature. This variant is reported in 0.0056% of alleles in individuals of European (Non-Finnish) descent in gnomAD. At this time, the clinical significance of this variant is uncertain due to the absence of conclusive functional and genetic evidence.

Labcorp Genetics (formerly Invitae), Labcorp
Classification: Uncertain significance. Last evaluated: 2025-02-20. Review status: criteria provided, single submitter. Criteria: Invitae Variant Classification Sherloc (09022015). Collection method: clinical testing. Allele origin: germline.
Comment: This sequence change replaces arginine, which is basic and polar, with histidine, which is basic and polar, at codon 811 of the MYO7A protein (p.Arg811His). The frequency data for this variant in the population databases is considered unreliable, as metrics indicate poor data quality at this position in the gnomAD database. This variant has not been reported in the literature in individuals affected with MYO7A-related conditions. ClinVar contains an entry for this variant (Variation ID: 1314576). Invitae Evidence Modeling of protein sequence and biophysical properties (such as structural, functional, and spatial information, amino acid conservation, physicochemical variation, residue mobility, and thermodynamic stability) indicates that this missense variant is not expected to disrupt MYO7A protein function with a negative predictive value of 95%. In summary, the available evidence is currently insufficient to determine the role of this variant in disease. Therefore, it has been classified as a Variant of Uncertain Significance.

GeneDx
Classification: Uncertain significance. Last evaluated: 2020-01-24. Review status: criteria provided, single submitter. Criteria: GeneDx Variant Classification Process June 2021. Collection method: clinical testing. Allele origin: germline. Affected: yes.
Comment: In silico analysis, which includes protein predictors and evolutionary conservation, supports that this variant does not alter protein structure/function; Has not been previously published as pathogenic or benign to our knowledge